The following is an entry in ClinVar:

NM_001376.5(DYNC1H1):c.999T>A (p.Asn333Lys)

Gene: DYNC1H1 (dynein cytoplasmic 1 heavy chain 1; plus strand). Cytogenetic location: 14q32.31.
Variant type: single nucleotide variant.
Coding change: c.999T>A on transcript NM_001376.5 (MANE Select); coding-DNA position 999, T replaced by A.
Protein change: p.Asn333Lys; replaces asparagine 333 with lysine.
Molecular consequence: missense variant.
Genome position (GRCh38, 1-based): chr14:101,983,056, T>A. VCF-style: chr14-101983056-T-A. GRCh37 (hg19) VCF-style: chr14-102449393-T-A.
Other names: short protein forms N333K.
Identifiers: ClinVar variation 2850400 (VCV002850400.3), dbSNP rs2503685353, ClinGen allele CA391012290.

ClinVar aggregate classification (germline): Uncertain significance (1 of 4 stars; one submission).

Conditions:
Charcot-Marie-Tooth disease axonal type 2O. Also called: CHARCOT-MARIE-TOOTH NEUROPATHY, AXONAL, TYPE 2O; CHARCOT-MARIE-TOOTH DISEASE, AXONAL, AUTOSOMAL DOMINANT, TYPE 2O; Charcot-Marie-Tooth Neuropathy Type 2O; Charcot-Marie-Tooth disease, axonal, type 20. Identifiers: Orphanet 284232, MedGen C3280220, MONDO:0013644, OMIM 614228.

Submission:

Labcorp Genetics (formerly Invitae), Labcorp
Classification: Uncertain significance for Charcot-Marie-Tooth disease axonal type 2O. Last evaluated: 2023-03-27. Review status: criteria provided, single submitter. Criteria: Invitae Variant Classification Sherloc (09022015). Collection method: clinical testing. Allele origin: germline.
Comment: This sequence change replaces asparagine, which is neutral and polar, with lysine, which is basic and polar, at codon 333 of the DYNC1H1 protein (p.Asn333Lys). This variant is not present in population databases (gnomAD no frequency). This variant has not been reported in the literature in individuals affected with DYNC1H1-related conditions. Advanced modeling of protein sequence and biophysical properties (such as structural, functional, and spatial information, amino acid conservation, physicochemical variation, residue mobility, and thermodynamic stability) performed at Invitae indicates that this missense variant is not expected to disrupt DYNC1H1 protein function. In summary, the available evidence is currently insufficient to determine the role of this variant in disease. Therefore, it has been classified as a Variant of Uncertain Significance.